The following is an entry in ClinVar:

NM_002838.5(PTPRC):c.260C>T (p.Pro87Leu)

Gene: PTPRC (protein tyrosine phosphatase receptor type C; plus strand). Cytogenetic location: 1q31.3.
Variant type: single nucleotide variant.
Coding change: c.260C>T on transcript NM_002838.5 (MANE Select); coding-DNA position 260, C replaced by T.
Protein change: p.Pro87Leu; replaces proline 87 with leucine.
Molecular consequence: missense variant. On other transcripts: intron variant (1).
Genome position (GRCh38, 1-based): chr1:198,696,871, C>T. VCF-style: chr1-198696871-C-T. GRCh37 (hg19) VCF-style: chr1-198666000-C-T.
Other names: c.100+4498C>T (NM_080921.4); c.254C>T (NM_002838.3); short protein forms P87L.
Identifiers: ClinVar variation 573532 (VCV000573532.10), dbSNP rs149798940, ClinGen allele CA1314438.

ClinVar aggregate classification (germline): Conflicting classifications of pathogenicity. Review status: criteria provided, conflicting classifications (1 of 4 stars). 3 submissions from 3 submitters: Uncertain significance (2); Likely benign (1). Last evaluated 2025-06-17.

Conditions:
Immunodeficiency 105 (IMD105). Also called: Immunodeficiency 105, severe combined. Identifiers: MedGen C5677005, MONDO:0800104, OMIM 619924.
Immunodeficiency 104. Also called: SCID, AUTOSOMAL RECESSIVE, T CELL-NEGATIVE, B CELL-POSITIVE, NK CELL-POSITIVE; Severe Combined Immune Deficiency, Autosomal Recessive, TCell -Negative, B Cell-Positive, NK Cell-Positive, IL7R-Related; Severe combined immunodeficiency, autosomal recessive, T cell-negative, B cell-positive, NK cell-positive; IMMUNODEFICIENCY 104, SEVERE COMBINED. Identifiers: MedGen C5676890, MONDO:0012163, OMIM 608971.
Inborn genetic diseases. Identifiers: MedGen C0950123, MeSH D030342.

Allele frequency attached by ClinVar (database versions not stated): ExAC 0.00007; gnomAD exomes 0.00008 and 0.00012; 1000 Genomes Project 30x 0.00016; 1000 Genomes Project 0.00020; gnomAD 0.00032 and 0.00034; TOPMed 0.00045; ESP Exome Variant Server 0.00046.
gnomAD v4.1: 169 of 1,614,088 alleles (0.01%); highest among the groups gnomAD compares: Admixed American, 0.087%; 1 homozygote.

Submissions (3):

Revvity Omics, Revvity
Classification: Uncertain significance for Immunodeficiency 105. Last evaluated: 2025-06-17. Review status: criteria provided, single submitter. Criteria: ACMG Guidelines, 2015. Collection method: clinical testing. Allele origin: germline.

Ambry Genetics
Classification: Likely benign for Inborn genetic diseases. Last evaluated: 2023-12-17. Review status: criteria provided, single submitter. Criteria: Ambry Variant Classification Scheme 2023. Collection method: clinical testing. Allele origin: germline.

Labcorp Genetics (formerly Invitae), Labcorp
Classification: Uncertain significance for Immunodeficiency 104. Last evaluated: 2022-06-13. Review status: criteria provided, single submitter. Criteria: Invitae Variant Classification Sherloc (09022015). Collection method: clinical testing. Allele origin: germline.
Comment: This sequence change replaces proline, which is neutral and non-polar, with leucine, which is neutral and non-polar, at codon 87 of the PTPRC protein (p.Pro87Leu). This variant is present in population databases (rs149798940, gnomAD 0.05%). This variant has not been reported in the literature in individuals affected with PTPRC-related conditions. ClinVar contains an entry for this variant (Variation ID: 573532). Algorithms developed to predict the effect of missense changes on protein structure and function output the following: SIFT: "Tolerated"; PolyPhen-2: "Benign"; Align-GVGD: "Class C0". The leucine amino acid residue is found in multiple mammalian species, which suggests that this missense change does not adversely affect protein function. In summary, the available evidence is currently insufficient to determine the role of this variant in disease. Therefore, it has been classified as a Variant of Uncertain Significance.